The following is an entry in ClinVar:

ClinVar aggregate classification (germline): Pathogenic (1 of 4 stars; one submission).

Conditions:
Hereditary diffuse gastric adenocarcinoma (HDGC). Also called: DIFFUSE GASTRIC AND LOBULAR BREAST CANCER SYNDROME. Identifiers: Orphanet 26106, MedGen C1708349, MONDO:0007648, OMIM 137215.

Submission:

Labcorp Genetics (formerly Invitae), Labcorp
Classification: Pathogenic for Hereditary diffuse gastric cancer. Last evaluated: 2018-03-01. Review status: criteria provided, single submitter. Criteria: Invitae Variant Classification Sherloc (09022015). Collection method: clinical testing. Allele origin: germline.
Comment: This variant is a gross deletion of the genomic region encompassing exon 16 of the CDH1 gene. The 5' boundary is likely confined to intron 15. The 3' end of this event is unknown as it extends through the termination codon beyond the assayed region for this gene and may encompass additional genes. While this deletion is not anticipated to result in nonsense mediated decay, it is expected to create a truncated protein product or disrupt mRNA translation. A gross deletion of exon 16, with confirmed breakpoints, has been reported to co-segregate with disease in a single family with an extensive history of diffuse gastric cancer, gastric cancer of unknown histology, and lobular breast cancer (PMID: 19168852). This variant is expected to delete the C-terminal portion of the cytoplasmic domain of the CDH1 (E-cadherin) protein, which includes the binding domains for the PIP5K1C (phosphatidylinositol phosphate kinase, type I gamma) and CTNNB1 (beta-catenin) proteins (PMID: 22850631). Loss of these domains is expected to disrupt normal E-cadherin function. This suggests that deletion of this region of the CDH1 protein is causative of disease. For these reasons, this variant has been classified as Pathogenic.

Literature cited by the submitters: PubMed 22850631; PubMed 19168852.

NC_000016.10:g.(?_68833284)_(68833505_?)del

Gene: CDH1 (cadherin 1; plus strand). Cytogenetic location: 16q22.1.
Variant type: Deletion.
Identifiers: ClinVar variation 463692 (VCV000463692.1).